The following is an entry in ClinVar:

ClinVar aggregate classification (germline): Uncertain significance (1 of 4 stars; one submission).

Conditions:
Myopathy, proximal, and ophthalmoplegia (CMYO6). Also called: MYOPATHY WITH CONGENITAL JOINT CONTRACTURES, OPHTHALMOPLEGIA, AND RIMMED VACUOLES; INCLUSION BODY MYOPATHY 3, AUTOSOMAL DOMINANT; CONGENITAL MYOPATHY 6 WITH OPHTHALMOPLEGIA. Identifiers: Orphanet 363677, Orphanet 79091, MedGen C1854106, MONDO:0011577, OMIM 605637.

Allele frequency attached by ClinVar (database versions not stated): gnomAD exomes below 0.00001 and 0.00002; ExAC 0.00002; gnomAD 0.00003 and 0.00004; TOPMed 0.00005; ESP Exome Variant Server 0.00008.
gnomAD v4.1: 12 of 1,614,096 alleles (0.00074%); highest among the groups gnomAD compares: African/African-American, 0.011%; no homozygotes.

Submission:

Labcorp Genetics (formerly Invitae), Labcorp
Classification: Uncertain significance for Myopathy, proximal, and ophthalmoplegia. Last evaluated: 2025-03-31. Review status: criteria provided, single submitter. Criteria: Invitae Variant Classification Sherloc (09022015). Collection method: clinical testing. Allele origin: germline.
Comment: This sequence change replaces glutamic acid, which is acidic and polar, with aspartic acid, which is acidic and polar, at codon 1675 of the MYH2 protein (p.Glu1675Asp). This variant is present in population databases (rs374743981, gnomAD 0.03%). This variant has not been reported in the literature in individuals affected with MYH2-related conditions. ClinVar contains an entry for this variant (Variation ID: 321664). Invitae Evidence Modeling of protein sequence and biophysical properties (such as structural, functional, and spatial information, amino acid conservation, physicochemical variation, residue mobility, and thermodynamic stability) indicates that this missense variant is not expected to disrupt MYH2 protein function with a negative predictive value of 80%. In summary, the available evidence is currently insufficient to determine the role of this variant in disease. Therefore, it has been classified as a Variant of Uncertain Significance.

NM_017534.6(MYH2):c.5025A>C (p.Glu1675Asp)

Genes: MYHAS (myosin heavy chain gene cluster antisense RNA; plus strand), MYH2 (myosin heavy chain 2; minus strand), LOC126862500 (BRD4-independent group 4 enhancer GRCh37_chr17:10427829-10429028; plus strand). Cytogenetic location: 17p13.1.
Variant type: single nucleotide variant.
Coding change: c.5025A>C on transcript NM_017534.6 (MANE Select); coding-DNA position 5025, A replaced by C.
Protein change: p.Glu1675Asp; replaces glutamic acid 1675 with aspartic acid.
Molecular consequence: missense variant.
Genome position (GRCh38, 1-based): chr17:10,524,616, T>G on the plus strand (A>C on the coding strand, the complement: MYH2 is on the minus strand). VCF-style: chr17-10524616-T-G. GRCh37 (hg19) VCF-style: chr17-10427933-T-G.
Other names: c.5025A>C, p.Glu1675Asp (NM_001100112.2); short protein forms E1675D.
Identifiers: ClinVar variation 321664 (VCV000321664.10), dbSNP rs374743981, ClinGen allele CA8390508.